The following is an entry in ClinVar:

ClinVar aggregate classification (germline): Likely pathogenic (1 of 4 stars; one submission).

Conditions:
HNF1B-related disorder. Also called: HNF1B-related disorders; HNF1B-related condition.

Submission:

PreventionGenetics, part of Exact Sciences
Classification: Likely pathogenic for HNF1B-related condition. Last evaluated: 2024-12-23. Review status: criteria provided, single submitter. Criteria: ACMG Guidelines, 2015. Collection method: clinical testing. Allele origin: germline.
Comment: The HNF1B c.1381delA variant is predicted to result in a frameshift and premature protein termination (p.Ser461Valfs*44). To our knowledge, this variant has not been reported in the literature or in a large population database (gnomAD), indicating this variant is rare. Frameshift variants in HNF1B are expected to be pathogenic. This variant is interpreted as likely pathogenic.

NM_000458.4(HNF1B):c.1381del (p.Ser461fs)

Gene: HNF1B (HNF1 homeobox B; minus strand). Cytogenetic location: 17q12.
Variant type: Deletion.
Coding change: c.1381del on transcript NM_000458.4 (MANE Select); coding-DNA position 1381, one base deleted (A; older notation c.1381delA).
Protein change: p.Ser461fs; shifts the reading frame from serine 461.
Molecular consequence: frameshift variant. On other transcripts: intron variant (1).
Genome position (GRCh38, 1-based): chr17:37,701,136, T deleted on the plus strand (A on the coding strand, the reverse complement: HNF1B is on the minus strand). VCF-style (leftmost placement, unchanged base first): chr17-37701135-CT-C. GRCh37 (hg19) VCF-style: chr17-36061140-CT-C.
Other names: c.1303del, p.Ser435fs (NM_001165923.4); c.1381del, p.Ser461fs (NM_001411100.1); c.1261+3781del (NM_001304286.2); short protein forms S435fs, S461fs.
Identifiers: ClinVar variation 5002524 (VCV005002524.1).